The following is an entry in ClinVar:

ClinVar aggregate classification (germline): Uncertain significance. Review status: criteria provided, multiple submitters, no conflicts (2 of 4 stars). 2 submissions from 2 submitters: Uncertain significance (2). Last evaluated 2024-11-26.

Conditions:
Inborn genetic diseases. Identifiers: MedGen C0950123, MeSH D030342.

Allele frequency attached by ClinVar (database versions not stated): gnomAD 0.00001; gnomAD exomes 0.00001; ExAC 0.00002; TOPMed 0.00003.
gnomAD v4.1: 18 of 1,614,062 alleles (0.0011%); highest among the groups gnomAD compares: Admixed American, 0.023%; no homozygotes.

Submissions (2):

Ambry Genetics
Classification: Uncertain significance for Inborn genetic diseases. Last evaluated: 2024-11-26. Review status: criteria provided, single submitter. Criteria: Ambry Variant Classification Scheme 2023. Collection method: clinical testing. Allele origin: germline.

Labcorp Genetics (formerly Invitae), Labcorp
Classification: Uncertain significance. Last evaluated: 2022-11-29. Review status: criteria provided, single submitter. Criteria: Invitae Variant Classification Sherloc (09022015). Collection method: clinical testing. Allele origin: germline.
Comment: In summary, the available evidence is currently insufficient to determine the role of this variant in disease. Therefore, it has been classified as a Variant of Uncertain Significance. Algorithms developed to predict the effect of missense changes on protein structure and function (SIFT, PolyPhen-2, Align-GVGD) all suggest that this variant is likely to be disruptive. This variant has not been reported in the literature in individuals affected with TRAK1-related conditions. This variant is present in population databases (rs753235494, gnomAD 0.03%). This sequence change replaces tyrosine, which is neutral and polar, with cysteine, which is neutral and slightly polar, at codon 450 of the TRAK1 protein (p.Tyr450Cys).

NM_001042646.3(TRAK1):c.1349A>G (p.Tyr450Cys)

Gene: TRAK1 (trafficking kinesin protein 1; plus strand). Cytogenetic location: 3p22.1.
Variant type: single nucleotide variant.
Coding change: c.1349A>G on transcript NM_001042646.3 (MANE Select); coding-DNA position 1349, A replaced by G.
Protein change: p.Tyr450Cys; replaces tyrosine 450 with cysteine.
Molecular consequence: missense variant. On other transcripts: non-coding transcript variant (1).
Genome position (GRCh38, 1-based): chr3:42,200,976, A>G. VCF-style: chr3-42200976-A-G. GRCh37 (hg19) VCF-style: chr3-42242468-A-G.
Other names: c.1349A>G, p.Tyr450Cys (NM_001265608.2, NM_001349246.2, NM_001349247.2); c.1127A>G, p.Tyr376Cys (NM_001265609.2, NM_001265610.1, NM_001349248.1 and 1 more transcripts); c.1037A>G, p.Tyr346Cys (NM_001349245.1); c.1175A>G, p.Tyr392Cys (NM_001410741.1, NM_014965.5); short protein forms Y392C, Y450C, Y376C, Y346C.
Identifiers: ClinVar variation 1916620 (VCV001916620.7), dbSNP rs753235494, ClinGen allele CA2333454.